The following is an entry in ClinVar:

NM_001367624.2(ZNF469):c.1829C>T (p.Pro610Leu)

Gene: ZNF469 (zinc finger protein 469; plus strand). Cytogenetic location: 16q24.2.
Variant type: single nucleotide variant.
Coding change: c.1829C>T on transcript NM_001367624.2 (MANE Select); coding-DNA position 1829, C replaced by T.
Protein change: p.Pro610Leu; replaces proline 610 with leucine.
Molecular consequence: missense variant.
Genome position (GRCh38, 1-based): chr16:88,429,299, C>T. VCF-style: chr16-88429299-C-T. GRCh37 (hg19) VCF-style: chr16-88495707-C-T.
Other names: NM_001127464.2:c.1829C>T; NM_001127464.1:c.1829C>T; short protein forms P610L.
Identifiers: ClinVar variation 1806143 (VCV001806143.3), dbSNP rs369993792, ClinGen allele CA8224716.

ClinVar aggregate classification (germline): Uncertain significance. Review status: criteria provided, multiple submitters, no conflicts (2 of 4 stars). 2 submissions from 2 submitters: Uncertain significance (2). Last evaluated 2024-11-27.

Conditions:
Brittle cornea syndrome 1 (BCS1). Also called: CORNEAL FRAGILITY, KERATOGLOBUS, BLUE SCLERAE, JOINT HYPEREXTENSIBILITY; EDS6B; FRAGILITAS OCULI WITH JOINT HYPEREXTENSIBILITY; Corneal fragility keratoglobus, blue sclerae AND joint hypermobility; DYSGENESIS MESODERMALIS CORNEAE ET SCLERAE. Identifiers: Orphanet 90354, MedGen C0268344, MONDO:0024543, OMIM 229200.
Cardiovascular phenotype. Identifiers: MedGen CN230736.

Allele frequency attached by ClinVar (database versions not stated): ExAC 0.00007.
gnomAD v4.1: 4 of 1,549,940 alleles (0.00026%); highest among the groups gnomAD compares: African/African-American, 0.0014%; no homozygotes.

Submissions (2):

Ambry Genetics
Classification: Uncertain significance for Cardiovascular phenotype. Last evaluated: 2024-11-27. Review status: criteria provided, single submitter. Criteria: Ambry Variant Classification Scheme 2023. Collection method: clinical testing. Allele origin: germline.

Victorian Clinical Genetics Services, Murdoch Childrens Research Institute
Classification: Uncertain significance for Brittle cornea syndrome 1. Last evaluated: 2020-10-19. Review status: criteria provided, single submitter. Criteria: ACMG Guidelines, 2015. Collection method: clinical testing. Allele origin: germline. Inheritance: Autosomal recessive inheritance.
Comment: Based on the classification scheme VCGS_Germline_v1.3.3, this variant is classified as 3B - VUS. Following criteria are met: 0102 - Loss of function is a mechanism of disease in this gene and is associated with Brittle cornea syndrome 1 (MIM#229200). (I) 0106 - This gene is associated with autosomal recessive disease. (I) 0200 - Variant is predicted to result in a missense amino acid change from proline to leucine. (I) 0251 - This variant is heterozygous. (I) 0304 - Variant is present in gnomAD <0.01 for a recessive condition (3 heterozygotes, 0 homozygotes). (SP) 0502 - Missense variant with conflicting in silico predictions and uninformative conservation. (I) 0604 - Variant is not located in an established domain, motif, hotspot or informative constraint region. (I) 0705 - No comparable missense variants have previous evidence for pathogenicity. (I) 0807 - This variant has no previous evidence of pathogenicity. (I) 0905 - No published segregation evidence has been identified for this variant. (I) 1007 - No published functional evidence has been identified for this variant. (I) 1208 - Inheritance information for this variant is not currently available in this individual. (I) Legend: (SP) - Supporting pathogenic, (I) - Information, (SB) - Supporting benign